The following is an entry in ClinVar:

NM_006431.3(CCT2):c.964C>T (p.Arg322Cys)

Gene: CCT2 (chaperonin containing TCP1 subunit 2; plus strand). Cytogenetic location: 12q15.
Variant type: single nucleotide variant.
Coding change: c.964C>T on transcript NM_006431.3 (MANE Select); coding-DNA position 964, C replaced by T.
Protein change: p.Arg322Cys; replaces arginine 322 with cysteine.
Molecular consequence: missense variant.
Genome position (GRCh38, 1-based): chr12:69,593,595, C>T. VCF-style: chr12-69593595-C-T. GRCh37 (hg19) VCF-style: chr12-69987375-C-T.
Other names: c.964C>T (NM_006431.2); c.823C>T, p.Arg275Cys (NM_001198842.2); short protein forms R275C, R322C.
Identifiers: ClinVar variation 1009273 (VCV001009273.9), dbSNP rs781508198, ClinGen allele CA6680733.

ClinVar aggregate classification (germline): Uncertain significance. Review status: criteria provided, multiple submitters, no conflicts (2 of 4 stars). 2 submissions from 2 submitters: Uncertain significance (2). Last evaluated 2025-03-04.

Allele frequency attached by ClinVar (database versions not stated): gnomAD 0.00011; TOPMed 0.00015.
gnomAD v4.1: 81 of 1,607,868 alleles (0.005%); highest among the groups gnomAD compares: Admixed American, 0.07%; no homozygotes.

Submissions (2):

Labcorp Genetics (formerly Invitae), Labcorp
Classification: Uncertain significance. Last evaluated: 2025-03-04. Review status: criteria provided, single submitter. Criteria: Invitae Variant Classification Sherloc (09022015). Collection method: clinical testing. Allele origin: germline.
Comment: This sequence change replaces arginine, which is basic and polar, with cysteine, which is neutral and slightly polar, at codon 322 of the CCT2 protein (p.Arg322Cys). This variant is present in population databases (rs781508198, gnomAD 0.07%), and has an allele count higher than expected for a pathogenic variant. This variant has not been reported in the literature in individuals affected with CCT2-related conditions. ClinVar contains an entry for this variant (Variation ID: 1009273). An algorithm developed to predict the effect of missense changes on protein structure and function (PolyPhen-2) suggests that this variant is likely to be disruptive. In summary, the available evidence is currently insufficient to determine the role of this variant in disease. Therefore, it has been classified as a Variant of Uncertain Significance.

Ambry Genetics
Classification: Uncertain significance. Last evaluated: 2021-09-17. Review status: criteria provided, single submitter. Criteria: Ambry Variant Classification Scheme 2023. Collection method: clinical testing. Allele origin: germline.